The following is an entry in ClinVar:

ClinVar aggregate classification (germline): Uncertain significance (1 of 4 stars; one submission).

gnomAD v4.1: 1 of 1,580,156 alleles (0.000063%); highest among the groups gnomAD compares: Middle Eastern, 0.017%; no homozygotes.

Submission:

Dasa
Classification: Uncertain significance. Last evaluated: 2025-03-22. Review status: criteria provided, single submitter. Criteria: DASA Assertion Criteria. Collection method: clinical testing. Allele origin: germline.
Comment: NM_020433.5(JPH2):c.1672C>T (p.Pro558Ser) is a missense variant that results in the substitution of proline with serine. This variant is rare in population databases. Computational prediction algorithms are consistent with a benign effect. The currently available literature and clinical evidence are not sufficient to establish a definitive association between this variant and the reported condition. Therefore, this variant is classified as a variant of uncertain significance.

NM_020433.5(JPH2):c.1672C>T (p.Pro558Ser)

Gene: JPH2 (junctophilin 2; minus strand). Cytogenetic location: 20q13.12.
Variant type: single nucleotide variant.
Coding change: c.1672C>T on transcript NM_020433.5 (MANE Select); coding-DNA position 1672, C replaced by T.
Protein change: p.Pro558Ser; replaces proline 558 with serine.
Molecular consequence: missense variant.
Genome position (GRCh38, 1-based): chr20:44,116,003, G>A on the plus strand (C>T on the coding strand, the complement: JPH2 is on the minus strand). VCF-style: chr20-44116003-G-A. GRCh37 (hg19) VCF-style: chr20-42744643-G-A.
Other names: short protein forms P558S.
Identifiers: ClinVar variation 4883699 (VCV004883699.2).